The following is an entry in ClinVar:

NM_001170629.2(CHD8):c.3940G>A (p.Ala1314Thr)

Gene: CHD8 (chromodomain helicase DNA binding protein 8; minus strand). Cytogenetic location: 14q11.2.
Variant type: single nucleotide variant.
Coding change: c.3940G>A on transcript NM_001170629.2 (MANE Select); coding-DNA position 3940, G replaced by A.
Protein change: p.Ala1314Thr; replaces alanine 1314 with threonine.
Molecular consequence: missense variant.
Genome position (GRCh38, 1-based): chr14:21,402,079, C>T on the plus strand (G>A on the coding strand, the complement: CHD8 is on the minus strand). VCF-style: chr14-21402079-C-T. GRCh37 (hg19) VCF-style: chr14-21870238-C-T.
Other names: c.3103G>A, p.Ala1035Thr (NM_020920.4); short protein forms A1035T, A1314T.
Identifiers: ClinVar variation 1948547 (VCV001948547.5), dbSNP rs2501896586, ClinGen allele CA388897250.

ClinVar aggregate classification (germline): Uncertain significance (1 of 4 stars; one submission).

Allele frequency attached by ClinVar (database versions not stated): gnomAD exomes below 0.00001.
gnomAD v4.1: 1 of 1,613,414 alleles (0.000062%); highest among the groups gnomAD compares: Non-Finnish European, 0.000085%; no homozygotes.

Submission:

Labcorp Genetics (formerly Invitae), Labcorp
Classification: Uncertain significance. Last evaluated: 2022-08-16. Review status: criteria provided, single submitter. Criteria: Invitae Variant Classification Sherloc (09022015). Collection method: clinical testing. Allele origin: germline.
Comment: In summary, the available evidence is currently insufficient to determine the role of this variant in disease. Therefore, it has been classified as a Variant of Uncertain Significance. Algorithms developed to predict the effect of missense changes on protein structure and function are either unavailable or do not agree on the potential impact of this missense change (SIFT: "Tolerated"; PolyPhen-2: "Probably Damaging"; Align-GVGD: "Class C0"). This missense change has been observed in individual(s) with autism spectrum disorder (PMID: 31311581). This variant is not present in population databases (gnomAD no frequency). This sequence change replaces alanine, which is neutral and non-polar, with threonine, which is neutral and polar, at codon 1314 of the CHD8 protein (p.Ala1314Thr).

Literature cited by the submitters: PubMed 31311581.